The following is an entry in ClinVar:

ClinVar aggregate classification (germline): Conflicting classifications of pathogenicity. Review status: criteria provided, conflicting classifications (1 of 4 stars). 4 submissions from 4 submitters: Uncertain significance (3); Likely benign (1). Last evaluated 2026-09-08.

Conditions:
TTN-related disorder. Also called: TTN-related condition; TTN-related disease; TTN-related disorders.
Early-onset myopathy with fatal cardiomyopathy (CMYO5). Also called: Salih Myopathy; CONGENITAL MYOPATHY 5 WITH CARDIOMYOPATHY. Identifiers: Orphanet 289377, MedGen C2673677, MONDO:0012714, OMIM 611705. Disease mechanism: loss of function.
Tibial muscular dystrophy (TMD). Also called: Tibial muscular dystrophy, tardive; UDD MYOPATHY; Udd Distal Myopathy – Tibial Muscular Dystrophy. Identifiers: Orphanet 609, MedGen C1838244, MONDO:0010870, OMIM 600334.
Dilated cardiomyopathy 1G (CMD1G). Identifiers: Orphanet 154, MedGen C1858763, MONDO:0011400, OMIM 604145.
Autosomal recessive limb-girdle muscular dystrophy type 2J (LGMDR10). Also called: Limb-girdle muscular dystrophy, type 2J; MUSCULAR DYSTROPHY, LIMB-GIRDLE, AUTOSOMAL RECESSIVE 10. Identifiers: Orphanet 140922, MedGen C1837342, MONDO:0012127, OMIM 608807.
Hypertrophic cardiomyopathy 9. Also called: Familial hypertrophic cardiomyopathy 9. Identifiers: MedGen C1861065, MONDO:0013412, OMIM 613765.
Myopathy, myofibrillar, 9, with early respiratory failure (MFM9). Also called: EDSTROM MYOPATHY; Myopathy, distal, with early respiratory failure, autosomal dominant; Hereditary myopathy with early respiratory failure; MYOPATHY, PROXIMAL, WITH EARLY RESPIRATORY MUSCLE INVOLVEMENT. Identifiers: Orphanet 178464, Orphanet 34521, MedGen C1863599, MONDO:0011362, OMIM 603689.

Allele frequency attached by ClinVar (database versions not stated): gnomAD exomes 0.00002 and 0.00009; TOPMed 0.00005; ExAC 0.00009.
gnomAD v4.1: 24 of 1,613,964 alleles (0.0015%); highest among the groups gnomAD compares: Admixed American, 0.037%; no homozygotes.

Submissions (4):

PreventionGenetics, part of Exact Sciences
Classification: Uncertain significance for TTN-related condition. Last evaluated: 2026-09-08. Review status: criteria provided, single submitter. Criteria: ACMG Guidelines, 2015. Collection method: clinical testing. Allele origin: germline.
Comment: The TTN c.30355G>C variant is predicted to result in the amino acid substitution p.Glu10119Gln. To our knowledge, this variant has not been reported in the literature. This variant is reported in 0.067% of alleles in individuals of Latino descent in gnomAD. At this time, the clinical significance of this variant is uncertain due to the absence of conclusive functional and genetic evidence.

Blueprint Genetics
Classification: Likely benign. Last evaluated: 2021-06-15. Review status: criteria provided, single submitter. Criteria: ACMG Guidelines, 2015. Collection method: clinical testing. Allele origin: germline.

Fulgent Genetics
Classification: Uncertain significance for Tibial muscular dystrophy; Myopathy, myofibrillar, 9, with early respiratory failure; Dilated cardiomyopathy 1G; Autosomal recessive limb-girdle muscular dystrophy type 2J; Early-onset myopathy with fatal cardiomyopathy; Hypertrophic cardiomyopathy 9. Last evaluated: 2018-10-31. Review status: criteria provided, single submitter. Criteria: ACMG Guidelines, 2015. Collection method: clinical testing. Allele origin: unknown.

Eurofins Ntd Llc (ga)
Classification: Uncertain significance. Last evaluated: 2017-03-28. Review status: criteria provided, single submitter. Criteria: EGL Classification Definitions 2015. Collection method: clinical testing. Allele origin: germline. Observed: 1 variant allele, 1 heterozygote.

NM_001267550.2(TTN):c.30355G>C (p.Glu10119Gln)

Gene: TTN (titin; minus strand). Cytogenetic location: 2q31.2.
Variant type: single nucleotide variant.
Coding change: c.30355G>C on transcript NM_001267550.2 (MANE Select); coding-DNA position 30355, G replaced by C.
Protein change: p.Glu10119Gln; replaces glutamic acid 10119 with glutamine.
Molecular consequence: missense variant. On other transcripts: intron variant (3).
Genome position (GRCh38, 1-based): chr2:178,702,532, C>G on the plus strand (G>C on the coding strand, the complement: TTN is on the minus strand). VCF-style: chr2-178702532-C-G. GRCh37 (hg19) VCF-style: chr2-179567259-C-G.
Other names: c.29404G>C, p.Glu9802Gln (NM_001256850.1); c.26623G>C, p.Glu8875Gln (NM_133378.4); c.13282+35550G>C (NM_003319.4); c.13858+35550G>C (NM_133437.4); c.13657+35550G>C (NM_133432.3); short protein forms E10119Q, E8875Q, E9802Q.
Identifiers: ClinVar variation 501044 (VCV000501044.8), dbSNP rs778565859, ClinGen allele CA1999190.